The following is an entry in ClinVar:

ClinVar aggregate classification (germline): Uncertain significance. Review status: criteria provided, multiple submitters, no conflicts (2 of 4 stars). 2 submissions from 2 submitters: Uncertain significance (2). Last evaluated 2025-07-07.

Conditions:
Hereditary cancer-predisposing syndrome. Also called: Tumor predisposition; Hereditary neoplastic syndrome; Neoplastic Syndromes, Hereditary; Hereditary Cancer Syndrome. Identifiers: Orphanet 140162, MedGen C0027672, MeSH D009386, MONDO:0015356.
Mitochondrial complex II deficiency, nuclear type 1. Also called: SUCCINATE CoQ REDUCTASE DEFICIENCY. Identifiers: Orphanet 3208, MedGen C5700310, MONDO:0100294, OMIM 252011.
Pheochromocytoma/paraganglioma syndrome 5. Also called: Paragangliomas 5; SDHA-Related Hereditary Paraganglioma-Pheochromocytoma Syndrome. Identifiers: Orphanet 29072, MedGen C3279992, MONDO:0013602, OMIM 614165.

Allele frequency attached by ClinVar (database versions not stated): gnomAD exomes below 0.00001.
gnomAD v4.1: 1 of 1,613,700 alleles (0.000062%); highest among the groups gnomAD compares: Non-Finnish European, 0.000085%; no homozygotes.

Submissions (2):

Ambry Genetics
Classification: Uncertain significance for Hereditary cancer-predisposing syndrome. Last evaluated: 2025-07-07. Review status: criteria provided, single submitter. Criteria: Ambry Variant Classification Scheme 2023. Collection method: clinical testing. Allele origin: germline.
Comment: The c.896-3C>T intronic variant results from a C to T substitution 3 nucleotides upstream from coding exon 8 in the SDHA gene. This nucleotide position is well conserved in available vertebrate species. In silico splice site analysis predicts that this alteration will not have any significant effect on splicing. Based on the available evidence, the clinical significance of this variant remains unclear.

Labcorp Genetics (formerly Invitae), Labcorp
Classification: Uncertain significance for Pheochromocytoma/paraganglioma syndrome 5; Mitochondrial complex II deficiency, nuclear type 1. Last evaluated: 2020-05-29. Review status: criteria provided, single submitter. Criteria: Invitae Variant Classification Sherloc (09022015). Collection method: clinical testing. Allele origin: germline.
Comment: This sequence change falls in intron 7 of the SDHA gene. It does not directly change the encoded amino acid sequence of the SDHA protein, but it affects a nucleotide within the consensus splice site of the intron. This variant is not present in population databases (ExAC no frequency). This variant has not been reported in the literature in individuals with SDHA-related conditions. Nucleotide substitutions within the consensus splice site are a relatively common cause of aberrant splicing (PMID: 17576681, 9536098). Algorithms developed to predict the effect of sequence changes on RNA splicing suggest that this variant is not likely to affect RNA splicing, but this prediction has not been confirmed by published transcriptional studies. In summary, the available evidence is currently insufficient to determine the role of this variant in disease. Therefore, it has been classified as a Variant of Uncertain Significance.

Literature cited by the submitters: PubMed 17576681 (cited by Labcorp Genetics (formerly Invitae), Labcorp); PubMed 9536098 (cited by Labcorp Genetics (formerly Invitae), Labcorp).

NM_004168.4(SDHA):c.896-3C>T

Gene: SDHA (succinate dehydrogenase complex flavoprotein subunit A; plus strand). Cytogenetic location: 5p15.33.
Variant type: single nucleotide variant.
Coding change: c.896-3C>T on transcript NM_004168.4 (MANE Select); 3 bases into the intron before coding-DNA position 896, C replaced by T.
Molecular consequence: intron variant.
Genome position (GRCh38, 1-based): chr5:233,474, C>T. VCF-style: chr5-233474-C-T. GRCh37 (hg19) VCF-style: chr5-233589-C-T.
Other names: c.896-3C>T (NM_004168.2, NM_001330758.2); c.752-3C>T (NM_001294332.2).
Identifiers: ClinVar variation 1038573 (VCV001038573.10), dbSNP rs1735543080, ClinGen allele CA1521993713.